The following is an entry in ClinVar:

ClinVar aggregate classification (germline): Uncertain significance (1 of 4 stars; one submission).

Conditions:
Sotos syndrome (SOTOS). Also called: CEREBRAL GIGANTISM; Sotos' syndrome; Distinctive facial appearance, overgrowth in childhood, and learning disabilities or delayed development; SOTOS SYNDROME 1; CHROMOSOME 5q35 DELETION SYNDROME. Identifiers: Orphanet 821, MedGen C0175695, MONDO:0019349, OMIM 117550.

Submission:

3billion
Classification: Uncertain significance for Sotos syndrome. Last evaluated: 2024-08-30. Review status: criteria provided, single submitter. Criteria: ACMG Guidelines, 2015. Collection method: clinical testing. Allele origin: germline. Affected: yes.
Comment: The variant is not observed in the gnomAD v4.0.0 dataset. Predicted Consequence/Location: Missense variant In silico tool predictions suggest damaging effect of the variant on gene or gene product [REVEL: 0.84 (>=0.6, sensitivity 0.68 and specificity 0.92); 3Cnet: 0.99 (>=0.6, sensitivity 0.72 and precision 0.9)]. Therefore, this variant is classified as VUS according to the recommendation of ACMG/AMP guideline.

NM_022455.5(NSD1):c.4931A>C (p.His1644Pro)

Gene: NSD1 (nuclear receptor binding SET domain protein 1; plus strand). Cytogenetic location: 5q35.3.
Variant type: single nucleotide variant.
Coding change: c.4931A>C on transcript NM_022455.5 (MANE Select); coding-DNA position 4931, A replaced by C.
Protein change: p.His1644Pro; replaces histidine 1644 with proline.
Molecular consequence: missense variant.
Genome position (GRCh38, 1-based): chr5:177,257,116, A>C. VCF-style: chr5-177257116-A-C. GRCh37 (hg19) VCF-style: chr5-176684117-A-C.
Other names: c.4511A>C, p.His1504Pro (NM_001409304.1); c.4178A>C, p.His1393Pro (NM_001409305.1); c.4169A>C, p.His1390Pro (NM_001409306.1, NM_001409307.1); c.4058A>C, p.His1353Pro (NM_001409308.1, NM_001409309.1, NM_172349.5 and 1 more transcripts); c.4931A>C, p.His1644Pro (NM_001409301.1, NM_001409302.1, NM_001409303.1); short protein forms H1353P, H1390P, H1393P, H1504P, H1644P.
Identifiers: ClinVar variation 4292161 (VCV004292161.1).